The following is an entry in ClinVar:

NM_001040108.2(MLH3):c.3158G>T (p.Gly1053Val)

Gene: MLH3 (mutL homolog 3; minus strand). Cytogenetic location: 14q24.3.
Variant type: single nucleotide variant.
Coding change: c.3158G>T on transcript NM_001040108.2 (MANE Select); coding-DNA position 3158, G replaced by T.
Protein change: p.Gly1053Val; replaces glycine 1053 with valine.
Molecular consequence: missense variant.
Genome position (GRCh38, 1-based): chr14:75,046,498, C>A on the plus strand (G>T on the coding strand, the complement: MLH3 is on the minus strand). VCF-style: chr14-75046498-C-A. GRCh37 (hg19) VCF-style: chr14-75513201-C-A.
Other names: c.3158G>T, p.Gly1053Val (NM_014381.3); short protein forms G1053V.
Identifiers: ClinVar variation 4860195 (VCV004860195.1).
Genomic context (GRCh38, chr14:75,046,498, plus strand): 5'-TCCTCAGTTGGGGCAATGAATGTGCTGAGTCCAGTCATTTTGTTGACATAAACCATTCTT[C>A]CCAGGGCTACATCGAAATGCCGCTGCCAATCTGAACAACACGTGTTTGACTCTTCAGTTT-3'
Protein context (NP_001035197.1, residues 1043-1063): DWQRHFDVAL[Gly1053Val]RMVYVNKMTG

ClinVar aggregate classification (germline): Uncertain significance (1 of 4 stars; one submission).

Submission:

Ambry Genetics
Classification: Uncertain significance. Last evaluated: 2026-05-04. Review status: criteria provided, single submitter. Criteria: Ambry Variant Classification Scheme 2023. Collection method: clinical testing. Allele origin: germline.
Comment: The p.G1053V variant (also known as c.3158G>T), located in coding exon 1 of the MLH3 gene, results from a G to T substitution at nucleotide position 3158. The glycine at codon 1053 is replaced by valine, an amino acid with dissimilar properties. This amino acid position is conserved. In addition, this alteration is predicted to be deleterious by in silico analysis. Based on the available evidence, the clinical significance of this variant remains unclear.